The following is an entry in ClinVar:

ClinVar aggregate classification (germline): Uncertain significance (1 of 4 stars; one submission).

gnomAD v4.1: 1 of 1,612,586 alleles (0.000062%); no homozygotes.

Submission:

Labcorp Genetics (formerly Invitae), Labcorp
Classification: Uncertain significance. Last evaluated: 2024-04-16. Review status: criteria provided, single submitter. Criteria: Invitae Variant Classification Sherloc (09022015). Collection method: clinical testing. Allele origin: germline.
Comment: This sequence change replaces valine, which is neutral and non-polar, with alanine, which is neutral and non-polar, at codon 586 of the AK7 protein (p.Val586Ala). This variant is not present in population databases (gnomAD no frequency). This variant has not been reported in the literature in individuals affected with AK7-related conditions. Advanced modeling of protein sequence and biophysical properties (such as structural, functional, and spatial information, amino acid conservation, physicochemical variation, residue mobility, and thermodynamic stability) performed at Invitae indicates that this missense variant is not expected to disrupt AK7 protein function with a negative predictive value of 80%. In summary, the available evidence is currently insufficient to determine the role of this variant in disease. Therefore, it has been classified as a Variant of Uncertain Significance.

NM_152327.5(AK7):c.1757T>C (p.Val586Ala)

Gene: AK7 (adenylate kinase 7; plus strand). Cytogenetic location: 14q32.2.
Variant type: single nucleotide variant.
Coding change: c.1757T>C on transcript NM_152327.5 (MANE Select); coding-DNA position 1757, T replaced by C.
Protein change: p.Val586Ala; replaces valine 586 with alanine.
Molecular consequence: missense variant.
Genome position (GRCh38, 1-based): chr14:96,483,002, T>C. VCF-style: chr14-96483002-T-C. GRCh37 (hg19) VCF-style: chr14-96949339-T-C.
Other names: c.1688T>C, p.Val563Ala (NM_001350888.2, NM_001350890.2); c.1679T>C, p.Val560Ala (NM_001350891.2); c.1559T>C, p.Val520Ala (NM_001350892.2); short protein forms V520A, V560A, V586A, V563A.
Identifiers: ClinVar variation 3684839 (VCV003684839.2).
Genomic context (GRCh38, chr14:96,483,002, plus strand): 5'-AATTGCAGGCAGGCCTAGAATATAAGTATGTGTTGATCTCTCTCCTGGTATTTAAAGATG[T>C]AGGAAAACTTGAAGATGCTCAGAATAGACTTGCTATCAAACAGCTCATCAAAGAGATTGG-3'
Protein context (NP_689540.2, residues 576-596): ELEIHPIHID[Val586Ala]GKLEDAQNRL